The following is an entry in ClinVar:

ClinVar aggregate classification (germline): Uncertain significance (1 of 4 stars; one submission).

Submission:

Labcorp Genetics (formerly Invitae), Labcorp
Classification: Uncertain significance. Last evaluated: 2022-06-13. Review status: criteria provided, single submitter. Criteria: Invitae Variant Classification Sherloc (09022015). Collection method: clinical testing. Allele origin: germline.
Comment: In summary, the available evidence is currently insufficient to determine the role of this variant in disease. Therefore, it has been classified as a Variant of Uncertain Significance. Experimental studies and prediction algorithms are not available or were not evaluated, and the functional significance of this variant is currently unknown. This variant has not been reported in the literature in individuals affected with SCLT1-related conditions. This variant is present in population databases (rs778351421, gnomAD 0.01%). This variant, c.1077_1079del, results in the deletion of 1 amino acid(s) of the SCLT1 protein (p.Glu359del), but otherwise preserves the integrity of the reading frame.

NM_144643.4(SCLT1):c.1071AGA[2] (p.Glu359del)

Gene: SCLT1 (sodium channel and clathrin linker 1; minus strand). Cytogenetic location: 4q28.2.
Variant type: Microsatellite.
Coding change: c.1071AGA[2] on transcript NM_144643.4 (MANE Select); two copies in a row of the 3-base unit AGA starting at c.1071; the reference has three copies in a row; one copy, 3 bases deleted.
Protein change: p.Glu359del; deletes glutamic acid 359.
Molecular consequence: inframe deletion. On other transcripts: inframe indel (1).
Genome position (GRCh38, 1-based): chr4:128,957,093-128,957,095, TCT deleted on the plus strand (AGA on the coding strand, the reverse complement: SCLT1 is on the minus strand); deleting any 3 consecutive bases within chr4:128,957,093-128,957,102 gives the same sequence; the position shown is the placement nearest the transcript's 3' end. VCF-style (leftmost placement, unchanged base first): chr4-128957092-GTCT-G. GRCh37 (hg19) VCF-style: chr4-129878247-GTCT-G.
Other names: c.1070_1072AAG[2], p.Glu359del (NM_001410807.1); short protein forms E359del.
Identifiers: ClinVar variation 1947704 (VCV001947704.3), dbSNP rs778351421, ClinGen allele CA3079746.